The following is an entry in ClinVar:

NC_000009.11:g.(?_101867488)_(101891402_?)del

Gene: TGFBR1 (transforming growth factor beta receptor 1; plus strand). Cytogenetic location: 9q22.33.
Variant type: Deletion.
Identifiers: ClinVar variation 3245269 (VCV003245269.1).

ClinVar aggregate classification (germline): Pathogenic (1 of 4 stars; one submission).

Conditions:
Familial thoracic aortic aneurysm and aortic dissection (TAAD). Also called: Thoracic aortic aneurysms and dissections. Identifiers: Orphanet 91387, MedGen C4707243, MONDO:0019625.

Submission:

Labcorp Genetics (formerly Invitae), Labcorp
Classification: Pathogenic for Familial thoracic aortic aneurysm and aortic dissection. Last evaluated: 2023-08-25. Review status: criteria provided, single submitter. Criteria: Invitae Variant Classification Sherloc (09022015). Collection method: clinical testing. Allele origin: unknown.
Comment: For these reasons, this variant has been classified as Pathogenic. This variant has not been reported in the literature in individuals affected with TGFBR1-related conditions. This variant is a gross deletion of the genomic region encompassing exon(s) 1-2 of the TGFBR1 gene, which includes the initiator codon. This deletion extends beyond the assayed region for this gene and therefore may encompass additional genes. It is expected to result in an absent or disrupted protein product. Loss-of-function variants in TGFBR1 are known to be pathogenic (PMID: 21358634).

Literature cited by the submitters: PubMed 21358634.